The following is an entry in ClinVar:

ClinVar aggregate classification (germline): Conflicting classifications of pathogenicity. Review status: criteria provided, conflicting classifications (1 of 4 stars). 3 submissions from 3 submitters: Uncertain significance (2); Likely benign (1). Last evaluated 2025-06-02.

Conditions:
Hereditary cancer-predisposing syndrome. Also called: Hereditary Cancer Syndrome; Hereditary neoplastic syndrome; Tumor predisposition; Neoplastic Syndromes, Hereditary. Identifiers: Orphanet 140162, MedGen C0027672, MeSH D009386, MONDO:0015356.
Fanconi anemia complementation group J. Also called: BRIP1-Related Fanconi Anemia. Identifiers: Orphanet 84, MedGen C1836860, MONDO:0012187, OMIM 609054.
Familial cancer of breast. Also called: Hereditary breast cancer; hereditary breast carcinoma; BREAST CANCER, FAMILIAL. Identifiers: Orphanet 227535, MedGen C0346153, MONDO:0016419, OMIM 114480. Disease mechanism: loss of function.

Submissions (3):

Ambry Genetics
Classification: Likely benign for Hereditary cancer-predisposing syndrome. Last evaluated: 2025-06-02. Review status: criteria provided, single submitter. Criteria: Ambry Variant Classification Scheme 2023. Collection method: clinical testing. Allele origin: germline.

Labcorp Genetics (formerly Invitae), Labcorp
Classification: Uncertain significance for Familial cancer of breast; Fanconi anemia complementation group J. Last evaluated: 2025-05-04. Review status: criteria provided, single submitter. Criteria: Invitae Variant Classification Sherloc (09022015). Collection method: clinical testing. Allele origin: germline.
Comment: This sequence change replaces methionine, which is neutral and non-polar, with valine, which is neutral and non-polar, at codon 1244 of the BRIP1 protein (p.Met1244Val). This variant is not present in population databases (gnomAD no frequency). This variant has not been reported in the literature in individuals affected with BRIP1-related conditions. ClinVar contains an entry for this variant (Variation ID: 2774977). Invitae Evidence Modeling of protein sequence and biophysical properties (such as structural, functional, and spatial information, amino acid conservation, physicochemical variation, residue mobility, and thermodynamic stability) indicates that this missense variant is not expected to disrupt BRIP1 protein function with a negative predictive value of 95%. In summary, the available evidence is currently insufficient to determine the role of this variant in disease. Therefore, it has been classified as a Variant of Uncertain Significance.

Color Diagnostics, LLC DBA Color Health
Classification: Uncertain significance for Hereditary cancer-predisposing syndrome. Last evaluated: 2024-03-07. Review status: criteria provided, single submitter. Criteria: ACMG Guidelines, 2015. Collection method: clinical testing. Allele origin: germline.
Comment: This missense variant replaces methionine with valine at codon 1244 of the BRIP1 protein. Computational prediction suggests that this variant may not impact protein structure and function (internally defined REVEL score threshold <= 0.5, PMID: 27666373). To our knowledge, functional studies have not been reported for this variant. This variant has not been reported in individuals affected with hereditary cancer in the literature. This variant has not been identified in the general population by the Genome Aggregation Database (gnomAD). The available evidence is insufficient to determine the role of this variant in disease conclusively. Therefore, this variant is classified as a Variant of Uncertain Significance.

NM_032043.3(BRIP1):c.3730A>G (p.Met1244Val)

Gene: BRIP1 (BRCA1 interacting DNA helicase 1; minus strand). Cytogenetic location: 17q23.2.
Variant type: single nucleotide variant.
Coding change: c.3730A>G on transcript NM_032043.3 (MANE Select); coding-DNA position 3730, A replaced by G.
Protein change: p.Met1244Val; replaces methionine 1244 with valine.
Molecular consequence: missense variant.
Genome position (GRCh38, 1-based): chr17:61,683,316, T>C on the plus strand (A>G on the coding strand, the complement: BRIP1 is on the minus strand). VCF-style: chr17-61683316-T-C. GRCh37 (hg19) VCF-style: chr17-59760677-T-C.
Other names: short protein forms M1244V.
Identifiers: ClinVar variation 2774977 (VCV002774977.4), dbSNP rs761468878, ClinGen allele CA400477732.